The following is an entry in ClinVar:

ClinVar aggregate classification (germline): Pathogenic/Likely pathogenic. Review status: criteria provided, multiple submitters, no conflicts (2 of 4 stars). 6 submissions from 6 submitters: Pathogenic (2); Likely pathogenic (2). 2 of the submissions do not count toward it. Last evaluated 2025-06-25.

Conditions:
RDH5-related disorder. Also called: RDH5-related condition.
Pigmentary retinal dystrophy. Also called: Fundus albipunctatus. Identifiers: Orphanet 227796, Orphanet 52427, MedGen C0311338, MONDO:0007639, OMIM 136880, HP:0030642.

Allele frequency attached by ClinVar (database versions not stated): ExAC 0.00001; gnomAD exomes 0.00001; gnomAD 0.00002 and 0.00003; TOPMed 0.00002; ESP Exome Variant Server 0.00008; 1000 Genomes Project 30x 0.00016.
gnomAD v4.1: 37 of 1,613,880 alleles (0.0023%); highest among the groups gnomAD compares: Middle Eastern, 0.017%; no homozygotes.

Submissions (6):

Labcorp Genetics (formerly Invitae), Labcorp
Classification: Pathogenic. Last evaluated: 2025-06-25. Review status: criteria provided, single submitter. Criteria: Invitae Variant Classification Sherloc (09022015). Collection method: clinical testing. Allele origin: germline.
Comment: This sequence change replaces aspartic acid, which is acidic and polar, with asparagine, which is neutral and polar, at codon 128 of the RDH5 protein (p.Asp128Asn). This variant is present in population databases (rs377029071, gnomAD 0.002%). This missense change has been observed in individual(s) with fundus albipunctatus or retinitis albescens (PMID: 17476461, 22736946, 22815624; internal data). In at least one individual the data is consistent with being in trans (on the opposite chromosome) from a pathogenic variant. ClinVar contains an entry for this variant (Variation ID: 635161). Invitae Evidence Modeling of protein sequence and biophysical properties (such as structural, functional, and spatial information, amino acid conservation, physicochemical variation, residue mobility, and thermodynamic stability) indicates that this missense variant is expected to disrupt RDH5 protein function with a positive predictive value of 80%. Experimental studies have shown that this missense change affects RDH5 function (PMID: 11675386). For these reasons, this variant has been classified as Pathogenic.

Fulgent Genetics
Classification: Likely pathogenic for Pigmentary retinal dystrophy. Last evaluated: 2024-02-22. Review status: criteria provided, single submitter. Criteria: ACMG Guidelines, 2015. Collection method: clinical testing. Allele origin: germline.

Revvity Omics, Revvity
Classification: Likely pathogenic for Pigmentary retinal dystrophy. Last evaluated: 2023-03-29. Review status: criteria provided, single submitter. Criteria: ACMG Guidelines, 2015. Collection method: clinical testing. Allele origin: germline.

Blueprint Genetics
Classification: Pathogenic for RDH5-related disorders. Last evaluated: 2019-12-09. Review status: criteria provided, single submitter. Criteria: ACMG Guidelines, 2015. Collection method: clinical testing. Allele origin: germline. Affected: yes. Observed: 4 variant alleles.

Sharon lab, Hadassah-Hebrew University Medical Center
Classification: Pathogenic for Fundus albipunctatus. Last evaluated: 2019-06-23. Review status: no assertion criteria provided. Collection method: research. Allele origin: inherited. Affected: yes. Not counted in ClinVar's aggregate classification.

Molecular Genetics Laboratory, Institute for Ophthalmic Research
Classification: Pathogenic for Fundus albipunctatus. Last evaluated: 2017-12-13. Review status: no assertion criteria provided. Collection method: research. Allele origin: inherited. Affected: yes. Not counted in ClinVar's aggregate classification.

Literature cited by the submitters: PubMed 17476461 (cited by Labcorp Genetics (formerly Invitae), Labcorp); PubMed 22736946 (cited by Labcorp Genetics (formerly Invitae), Labcorp); PubMed 22815624 (cited by Labcorp Genetics (formerly Invitae), Labcorp); PubMed 11675386 (cited by Labcorp Genetics (formerly Invitae), Labcorp).

NM_002905.5(RDH5):c.382G>A (p.Asp128Asn)

Genes: BLOC1S1-RDH5 (BLOC1S1-RDH5 readthrough; plus strand), RDH5 (retinol dehydrogenase 5; plus strand). Cytogenetic location: 12q13.2.
Variant type: single nucleotide variant.
Coding change: c.382G>A on transcript NM_002905.5 (MANE Select); coding-DNA position 382, G replaced by A.
Protein change: p.Asp128Asn; replaces aspartic acid 128 with asparagine.
Molecular consequence: missense variant. On other transcripts: non-coding transcript variant (1).
Genome position (GRCh38, 1-based): chr12:55,721,760, G>A. VCF-style: chr12-55721760-G-A. GRCh37 (hg19) VCF-style: chr12-56115544-G-A.
Other names: c.382G>A, p.Asp128Asn (NM_001199771.3); c.382G>A (NM_002905.4); short protein forms D128N.
Identifiers: ClinVar variation 635161 (VCV000635161.11), dbSNP rs377029071, ClinGen allele CA6616827.